The following is an entry in ClinVar:

NM_006180.6(NTRK2):c.933C>A (p.Pro311=)

Gene: NTRK2 (neurotrophic receptor tyrosine kinase 2; plus strand). Cytogenetic location: 9q21.33.
Variant type: single nucleotide variant.
Coding change: c.933C>A on transcript NM_006180.6 (MANE Select); coding-DNA position 933, C replaced by A.
Protein change: p.Pro311=; no amino-acid change (proline 311 retained).
Molecular consequence: synonymous variant.
Genome position (GRCh38, 1-based): chr9:84,727,733, C>A. VCF-style: chr9-84727733-C-A. GRCh37 (hg19) VCF-style: chr9-87342648-C-A.
Other names: c.933C>A, p.Pro311= (NM_001007097.3, NM_001018064.3, NM_001018065.2 and 16 more transcripts); c.894C>A, p.Pro298= (NM_001291937.2, NM_001369546.1); c.465C>A, p.Pro155= (NM_001369535.1, NM_001369536.1, NM_001369550.1 and 2 more transcripts).
Identifiers: ClinVar variation 713717 (VCV000713717.14), dbSNP rs75615014, ClinGen allele CA5105601.

ClinVar aggregate classification (germline): Benign. Review status: criteria provided, multiple submitters, no conflicts (2 of 4 stars). 3 submissions from 3 submitters: Benign (2). 1 of the submissions does not count toward it. Last evaluated 2026-02-03.

Conditions:
NTRK2-related disorder. Also called: NTRK2-related condition.

Allele frequency attached by ClinVar (database versions not stated): gnomAD exomes 0.00103 and 0.00267; ExAC 0.00312; 1000 Genomes Project 0.00958; gnomAD 0.00971 and 0.01035; TOPMed 0.01173; ESP Exome Variant Server 0.01192; 1000 Genomes Project 30x 0.01249.
gnomAD v4.1: 3,035 of 1,614,076 alleles (0.19%); highest among the groups gnomAD compares: African/African-American, 3.6%; 48 homozygotes.

Submissions (3):

Labcorp Genetics (formerly Invitae), Labcorp
Classification: Benign. Last evaluated: 2026-02-03. Review status: criteria provided, single submitter. Criteria: Invitae Variant Classification Sherloc (09022015). Collection method: clinical testing. Allele origin: germline.

Breakthrough Genomics
Classification: Benign. Review status: criteria provided, single submitter. Criteria: ACMG Guidelines, 2015. Collection method: not provided. Allele origin: germline. Inheritance: Autosomal dominant inheritance. Affected: yes.

PreventionGenetics, part of Exact Sciences
Classification: Benign for NTRK2-related condition. Last evaluated: 2019-09-24. Review status: no assertion criteria provided. Collection method: clinical testing. Allele origin: germline. Not counted in ClinVar's aggregate classification.
Comment: This variant is classified as benign based on ACMG/AMP sequence variant interpretation guidelines (Richards et al. 2015 PMID: 25741868, with internal and published modifications).